The following is an entry in ClinVar:

NM_001267550.2(TTN):c.24960C>T (p.Ser8320=)

Gene: TTN (titin; minus strand). Cytogenetic location: 2q31.2.
Variant type: single nucleotide variant.
Coding change: c.24960C>T on transcript NM_001267550.2 (MANE Select); coding-DNA position 24960, C replaced by T.
Protein change: p.Ser8320=; no amino-acid change (serine 8320 retained).
Molecular consequence: synonymous variant. On other transcripts: intron variant (3).
Genome position (GRCh38, 1-based): chr2:178,718,046, G>A on the plus strand (C>T on the coding strand, the complement: TTN is on the minus strand). VCF-style: chr2-178718046-G-A. GRCh37 (hg19) VCF-style: chr2-179582773-G-A.
Other names: c.24009C>T, p.Ser8003= (NM_001256850.1); c.21228C>T, p.Ser7076= (NM_133378.4); c.13282+20036C>T (NM_003319.4); c.13858+20036C>T (NM_133437.4); c.13657+20036C>T (NM_133432.3).
Identifiers: ClinVar variation 385788 (VCV000385788.9), dbSNP rs1057522331, ClinGen allele CA16603936.

ClinVar aggregate classification (germline): Likely benign. Review status: criteria provided, multiple submitters, no conflicts (2 of 4 stars). 2 submissions from 2 submitters: Likely benign (2). Last evaluated 2021-08-30.

Conditions:
Dilated cardiomyopathy 1G (CMD1G). Identifiers: Orphanet 154, MedGen C1858763, MONDO:0011400, OMIM 604145.
Autosomal recessive limb-girdle muscular dystrophy type 2J (LGMDR10). Also called: Limb-girdle muscular dystrophy, type 2J; MUSCULAR DYSTROPHY, LIMB-GIRDLE, AUTOSOMAL RECESSIVE 10. Identifiers: Orphanet 140922, MedGen C1837342, MONDO:0012127, OMIM 608807.

Allele frequency attached by ClinVar (database versions not stated): gnomAD exomes below 0.00001.
gnomAD v4.1: 1 of 1,613,752 alleles (0.000062%); highest among the groups gnomAD compares: Non-Finnish European, 0.000085%; no homozygotes.

Submissions (2):

Labcorp Genetics (formerly Invitae), Labcorp
Classification: Likely benign for Dilated cardiomyopathy 1G; Autosomal recessive limb-girdle muscular dystrophy type 2J. Last evaluated: 2021-08-30. Review status: criteria provided, single submitter. Criteria: Invitae Variant Classification Sherloc (09022015). Collection method: clinical testing. Allele origin: germline.

GeneDx
Classification: Likely benign. Last evaluated: 2016-04-25. Review status: criteria provided, single submitter. Criteria: GeneDx Variant Classification (06012015). Collection method: clinical testing. Allele origin: germline. Affected: yes.
Comment: This variant is considered likely benign or benign based on one or more of the following criteria: it is a conservative change, it occurs at a poorly conserved position in the protein, it is predicted to be benign by multiple in silico algorithms, and/or has population frequency not consistent with disease.